The following is an entry in ClinVar:

NM_006516.4(SLC2A1):c.1010A>C (p.His337Pro)

Gene: SLC2A1 (solute carrier family 2 member 1; minus strand). Cytogenetic location: 1p34.2.
Variant type: single nucleotide variant.
Coding change: c.1010A>C on transcript NM_006516.4 (MANE Select); coding-DNA position 1010, A replaced by C.
Protein change: p.His337Pro; replaces histidine 337 with proline.
Molecular consequence: missense variant.
Genome position (GRCh38, 1-based): chr1:42,928,996, T>G on the plus strand (A>C on the coding strand, the complement: SLC2A1 is on the minus strand). VCF-style: chr1-42928996-T-G. GRCh37 (hg19) VCF-style: chr1-43394667-T-G.
Other names: short protein forms H337P.
Identifiers: ClinVar variation 1995560 (VCV001995560.4), dbSNP rs1553155982, ClinGen allele CA339955938.

ClinVar aggregate classification (germline): Uncertain significance (1 of 4 stars; one submission).

Conditions:
GLUT1 deficiency syndrome 1, autosomal recessive. Identifiers: MedGen C3149117.

Submission:

Labcorp Genetics (formerly Invitae), Labcorp
Classification: Uncertain significance for GLUT1 deficiency syndrome 1, autosomal recessive. Last evaluated: 2025-02-24. Review status: criteria provided, single submitter. Criteria: Invitae Variant Classification Sherloc (09022015). Collection method: clinical testing. Allele origin: germline.
Comment: This sequence change replaces histidine, which is basic and polar, with proline, which is neutral and non-polar, at codon 337 of the SLC2A1 protein (p.His337Pro). This variant is not present in population databases (gnomAD no frequency). This variant has not been reported in the literature in individuals affected with SLC2A1-related conditions. ClinVar contains an entry for this variant (Variation ID: 1995560). Invitae Evidence Modeling of protein sequence and biophysical properties (such as structural, functional, and spatial information, amino acid conservation, physicochemical variation, residue mobility, and thermodynamic stability) indicates that this missense variant is expected to disrupt SLC2A1 protein function with a positive predictive value of 95%. In summary, the available evidence is currently insufficient to determine the role of this variant in disease. Therefore, it has been classified as a Variant of Uncertain Significance.